The following is an entry in ClinVar:

ClinVar aggregate classification (germline): Benign. Review status: criteria provided, multiple submitters, no conflicts (2 of 4 stars). 4 submissions from 3 submitters: Benign (4). Last evaluated 2019-06-15.

Conditions:
Holoprosencephaly 7 (HPE7). Identifiers: Orphanet 2162, MedGen C1835820, MONDO:0012562, OMIM 610828.
Gorlin syndrome. Also called: Basal cell nevus syndrome; Nevoid Basal Cell Carcinoma Syndrome. Identifiers: Orphanet 377, MedGen C0004779, MONDO:0007187.

Allele frequency attached by ClinVar (database versions not stated): gnomAD 0.04295 and 0.04602; TOPMed 0.04937; 1000 Genomes Project 0.05052; 1000 Genomes Project 30x 0.05575.

Submissions (4):

GeneDx
Classification: Benign. Last evaluated: 2019-06-15. Review status: criteria provided, single submitter. Criteria: GeneDx Variant Classification Process June 2021. Collection method: clinical testing. Allele origin: germline. Affected: yes.

Illumina Laboratory Services, Illumina
Classification: Benign for Basal cell nevus syndrome 1. Last evaluated: 2018-01-13. Review status: criteria provided, single submitter. Criteria: ICSL Variant Classification Criteria 13 December 2019. Collection method: clinical testing. Allele origin: germline.
Comment: This variant was observed in the ICSL laboratory as part of a predisposition screen in an ostensibly healthy population. It had not been previously curated by ICSL or reported in the Human Gene Mutation Database (HGMD: prior to June 1st, 2018), and was therefore a candidate for classification through an automated scoring system. Utilizing variant allele frequency, disease prevalence and penetrance estimates, and inheritance mode, an automated score was calculated to assess if this variant is too frequent to cause the disease. Based on the score and internal cut-off values, a variant classified as benign is not then subjected to further curation. The score for this variant resulted in a classification of benign for this disease.

Illumina Laboratory Services, Illumina
Classification: Benign for Holoprosencephaly 7. Last evaluated: 2018-01-13. Review status: criteria provided, single submitter. Criteria: ICSL Variant Classification Criteria 13 December 2019. Collection method: clinical testing. Allele origin: germline.
Comment: the same text as in the submission from Illumina Laboratory Services, Illumina above.

Breakthrough Genomics
Classification: Benign. Review status: criteria provided, single submitter. Criteria: ACMG Guidelines, 2015. Collection method: not provided. Allele origin: germline. Inheritance: Autosomal dominant inheritance. Affected: yes.

NM_000264.5(PTCH1):c.*1709G>A

Gene: PTCH1 (patched 1; minus strand). Cytogenetic location: 9q22.32.
Variant type: single nucleotide variant.
Coding change: c.*1709G>A on transcript NM_000264.5 (MANE Select); 1709 bases downstream of the stop codon, G replaced by A.
Molecular consequence: 3 prime UTR variant. On other transcripts: non-coding transcript variant (1).
Genome position (GRCh38, 1-based): chr9:95,444,684, C>T on the plus strand (G>A on the coding strand, the complement: PTCH1 is on the minus strand). VCF-style: chr9-95444684-C-T. GRCh37 (hg19) VCF-style: chr9-98206966-C-T.
Other names: c.*1709G>A (NM_001083602.3, NM_001083603.3, NM_001083604.3 and 4 more transcripts).
Identifiers: ClinVar variation 367638 (VCV000367638.9), dbSNP rs73540175, ClinGen allele CA10630662.